The following is an entry in ClinVar:

NM_018429.3(BDP1):c.6164A>G (p.Glu2055Gly)

Gene: BDP1 (BDP1 general transcription factor IIIB subunit; plus strand). Cytogenetic location: 5q13.2.
Variant type: single nucleotide variant.
Coding change: c.6164A>G on transcript NM_018429.3 (MANE Select); coding-DNA position 6164, A replaced by G.
Protein change: p.Glu2055Gly; replaces glutamic acid 2055 with glycine.
Molecular consequence: missense variant.
Genome position (GRCh38, 1-based): chr5:71,541,595, A>G. VCF-style: chr5-71541595-A-G. GRCh37 (hg19) VCF-style: chr5-70837422-A-G.
Other names: short protein forms E2055G.
Identifiers: ClinVar variation 4986233 (VCV004986233.1).

ClinVar aggregate classification (germline): Uncertain significance (1 of 4 stars; one submission).

Conditions:
BDP1-related disorder. Also called: BDP1-related condition.

gnomAD v4.1: 2 of 1,612,802 alleles (0.00012%); highest among the groups gnomAD compares: Non-Finnish European, 0.00017%; no homozygotes.

Submission:

PreventionGenetics, part of Exact Sciences
Classification: Uncertain significance for BDP1-related condition. Last evaluated: 2025-02-18. Review status: criteria provided, single submitter. Criteria: ACMG Guidelines, 2015. Collection method: clinical testing. Allele origin: germline.
Comment: The BDP1 c.6164A>G variant is predicted to result in the amino acid substitution p.Glu2055Gly. To our knowledge, this variant has not been reported in the literature or in a large population database (gnomAD), indicating this variant is rare. At this time, the clinical significance of this variant is uncertain due to the absence of conclusive functional and genetic evidence.